The following is an entry in ClinVar:

ClinVar aggregate classification (germline): Uncertain significance. Review status: criteria provided, multiple submitters, no conflicts (2 of 4 stars). 2 submissions from 2 submitters: Uncertain significance (2). Last evaluated 2025-05-07.

Conditions:
Symmetrical dyschromatosis of extremities (DSH). Also called: DYSCHROMATOSIS SYMMETRICA HEREDITARIA 1; RETICULATE ACROPIGMENTATION OF DOHI; SYMMETRIC DYSCHROMATOSIS OF THE EXTREMITIES; Dyschromatosis symmetrica hereditaria. Identifiers: Orphanet 41, MedGen C0406775, MONDO:0007483, OMIM 127400.
Aicardi-Goutieres syndrome 6 (AGS6). Identifiers: Orphanet 51, MedGen C3539013, MONDO:0014007, OMIM 615010.

gnomAD v4.1: 3 of 1,614,104 alleles (0.00019%); highest among the groups gnomAD compares: Non-Finnish European, 0.00025%; no homozygotes.

Submissions (2):

Labcorp Genetics (formerly Invitae), Labcorp
Classification: Uncertain significance for Aicardi-Goutieres syndrome 6; Symmetrical dyschromatosis of extremities. Last evaluated: 2025-05-07. Review status: criteria provided, single submitter. Criteria: Invitae Variant Classification Sherloc (09022015). Collection method: clinical testing. Allele origin: germline.
Comment: This sequence change replaces leucine, which is neutral and non-polar, with proline, which is neutral and non-polar, at codon 150 of the ADAR protein (p.Leu150Pro). This variant is present in population databases (no rsID available, gnomAD 0.002%). This variant has not been reported in the literature in individuals affected with ADAR-related conditions. An algorithm developed to predict the effect of missense changes on protein structure and function (PolyPhen-2) suggests that this variant is likely to be disruptive. In summary, the available evidence is currently insufficient to determine the role of this variant in disease. Therefore, it has been classified as a Variant of Uncertain Significance.

Blueprint Genetics
Classification: Uncertain significance. Last evaluated: 2018-10-09. Review status: criteria provided, single submitter. Criteria: ACMG Guidelines, 2015. Collection method: clinical testing. Allele origin: germline.

NM_001111.5(ADAR):c.449T>C (p.Leu150Pro)

Gene: ADAR (adenosine deaminase RNA specific; minus strand). Cytogenetic location: 1q21.3.
Variant type: single nucleotide variant.
Coding change: c.449T>C on transcript NM_001111.5 (MANE Select); coding-DNA position 449, T replaced by C.
Protein change: p.Leu150Pro; replaces leucine 150 with proline.
Molecular consequence: missense variant. On other transcripts: 5 prime UTR variant (6).
Genome position (GRCh38, 1-based): chr1:154,602,193, A>G on the plus strand (T>C on the coding strand, the complement: ADAR is on the minus strand). VCF-style: chr1-154602193-A-G. GRCh37 (hg19) VCF-style: chr1-154574669-A-G.
Other names: c.-437T>C (NM_001025107.3, NM_001193495.2, NM_001365046.1 and 3 more transcripts); c.476T>C, p.Leu159Pro (NM_001365045.1); c.449T>C, p.Leu150Pro (NM_015840.4, NM_015841.4); short protein forms L150P, L159P.
Identifiers: ClinVar variation 4784941 (VCV004784941.2).